The following is an entry in ClinVar:

ClinVar aggregate classification (germline): Uncertain significance (1 of 4 stars; one submission).

Allele frequency attached by ClinVar (database versions not stated): gnomAD 0.00001 and 0.00003; TOPMed 0.00001; 1000 Genomes Project 30x 0.00016; 1000 Genomes Project 0.00020.
gnomAD v4.1: 149 of 1,613,792 alleles (0.0092%); highest among the groups gnomAD compares: South Asian, 0.15%; 4 homozygotes.

Submission:

ARUP Laboratories, Molecular Genetics and Genomics, ARUP Laboratories
Classification: Uncertain significance. Last evaluated: 2017-10-02. Review status: criteria provided, single submitter. Criteria: ARUP Molecular Germline Variant Investigation Process. Collection method: clinical testing. Allele origin: germline.
Comment: The p.Arg413Trp variant (rs534867466) has not been reported in the medical literature, gene specific variation databases, nor has it been previously identified by our laboratory. This variant is listed in the genome Aggregation Database (gnomAD) with a South Asian population frequency of 0.1 percent (identified on 38 out of 30,782 chromosomes including 1 homozygote). The arginine at position 413 is highly conserved, up to Chicken (considering 10 species, Alamut v.2.10.0) and computational analyses of the effects of the p.Arg413Trp variant on protein structure and function provide conflicting results (SIFT: damaging, MutationTaster: polymorphism, PolyPhen-2: benign). Although,population frequency is higher in South Asian population, there is not enough evidence to classify the p.Arg413Trp variant with certainty.

NM_000459.5(TEK):c.1237C>T (p.Arg413Trp)

Gene: TEK (TEK receptor tyrosine kinase; plus strand). Cytogenetic location: 9p21.2.
Variant type: single nucleotide variant.
Coding change: c.1237C>T on transcript NM_000459.5 (MANE Select); coding-DNA position 1237, C replaced by T.
Protein change: p.Arg413Trp; replaces arginine 413 with tryptophan.
Molecular consequence: missense variant.
Genome position (GRCh38, 1-based): chr9:27,185,539, C>T. VCF-style: chr9-27185539-C-T. GRCh37 (hg19) VCF-style: chr9-27185537-C-T.
Other names: c.1108C>T, p.Arg370Trp (NM_001290077.2, NM_001375476.1); c.796C>T, p.Arg266Trp (NM_001290078.2); c.1237C>T, p.Arg413Trp (NM_001375475.1); short protein forms R413W, R370W, R266W.
Identifiers: ClinVar variation 618421 (VCV000618421.9), dbSNP rs534867466, ClinGen allele CA5016175.